The following is an entry in ClinVar:

NM_182961.4(SYNE1):c.9010-3C>G

Gene: SYNE1 (spectrin repeat containing nuclear envelope protein 1; minus strand). Cytogenetic location: 6q25.2.
Variant type: single nucleotide variant.
Coding change: c.9010-3C>G on transcript NM_182961.4 (MANE Select); 3 bases into the intron before coding-DNA position 9010, C replaced by G.
Molecular consequence: intron variant.
Genome position (GRCh38, 1-based): chr6:152,376,915, G>C on the plus strand (C>G on the coding strand, the complement: SYNE1 is on the minus strand). VCF-style: chr6-152376915-G-C. GRCh37 (hg19) VCF-style: chr6-152698050-G-C.
Other names: c.9031-3C>G (NM_033071.5).
Identifiers: ClinVar variation 3571732 (VCV003571732.1).

ClinVar aggregate classification (germline): Uncertain significance (1 of 4 stars; one submission).

Submission:

Athena Diagnostics
Classification: Uncertain significance. Last evaluated: 2023-10-27. Review status: criteria provided, single submitter. Criteria: Athena Diagnostics Criteria. Collection method: clinical testing. Allele origin: unknown.
Comment: Available data are insufficient to determine the clinical significance of the variant at this time. This variant has not been reported in large, multi-ethnic general populations. Computational tools yielded predictions that this variant is unlikely to have an effect on normal RNA splicing.